The following is an entry in ClinVar:

NM_194277.3(FRMD7):c.1777C>T (p.Gln593Ter)

Gene: FRMD7 (FERM domain containing 7; minus strand). Cytogenetic location: Xq26.2.
Variant type: single nucleotide variant.
Coding change: c.1777C>T on transcript NM_194277.3 (MANE Select); coding-DNA position 1777, C replaced by T.
Protein change: p.Gln593Ter; replaces glutamine 593 with a stop codon.
Molecular consequence: nonsense.
Genome position (GRCh38, 1-based): chrX:132,078,240, G>A on the plus strand (C>T on the coding strand, the complement: FRMD7 is on the minus strand). VCF-style: chrX-132078240-G-A. GRCh37 (hg19) VCF-style: chrX-131212268-G-A.
Other names: c.1732C>T, p.Gln578Ter (NM_001306193.2); short protein forms Q578*, Q593*.
Identifiers: ClinVar variation 3776258 (VCV003776258.1).

ClinVar aggregate classification (germline): Likely pathogenic (1 of 4 stars; one submission).

Conditions:
Nystagmus 1, congenital, X-linked. Also called: NYSTAGMUS 1, INFANTILE, X-LINKED; NYSTAGMUS, CONGENITAL MOTOR, 1; NYSTAGMUS, INFANTILE PERIODIC ALTERNATING, X-LINKED; FRMD7-Related Infantile Nystagmus; NYSTAGMUS, INFANTILE IDIOPATHIC. Identifiers: MedGen C1839580, MONDO:0010693, OMIM 310700.

gnomAD v4.1: 1 of 1,211,248 alleles (0.000083%); highest among the groups gnomAD compares: Non-Finnish European, 0.00011%; no homozygotes.

Submission:

3billion
Classification: Likely pathogenic for Nystagmus 1, congenital, X-linked. Last evaluated: 2024-01-12. Review status: criteria provided, single submitter. Criteria: ACMG Guidelines, 2015. Collection method: clinical testing. Allele origin: germline. Affected: yes.
Comment: The variant is observed at an extremely low frequency in the gnomAD v2.1.1 dataset (total allele frequency: <0.001%). Predicted Consequence/Location: Stop-gained (nonsense): predicted to result in a loss or disruption of normal protein function through protein truncation. The predicted truncated protein may be shortened by more than 10%. Therefore, this variant is classified as Likely pathogenic according to the recommendation of ACMG/AMP guideline.